The following is an entry in ClinVar:

NM_182914.3(SYNE2):c.9144T>G (p.Tyr3048Ter)

Gene: SYNE2 (spectrin repeat containing nuclear envelope protein 2; plus strand). Cytogenetic location: 14q23.2.
Variant type: single nucleotide variant.
Coding change: c.9144T>G on transcript NM_182914.3 (MANE Select); coding-DNA position 9144, T replaced by G.
Protein change: p.Tyr3048Ter; replaces tyrosine 3048 with a stop codon.
Molecular consequence: nonsense.
Genome position (GRCh38, 1-based): chr14:64,053,057, T>G. VCF-style: chr14-64053057-T-G. GRCh37 (hg19) VCF-style: chr14-64519775-T-G.
Other names: c.9144T>G, p.Tyr3048Ter (NM_015180.6); short protein forms Y3048*.
Identifiers: ClinVar variation 1378557 (VCV001378557.6), dbSNP rs1331113396, ClinGen allele CA389975663.

ClinVar aggregate classification (germline): Uncertain significance (1 of 4 stars; one submission).

Conditions:
Emery-Dreifuss muscular dystrophy 5, autosomal dominant (EDMD5). Also called: EMERY-DREIFUSS MUSCULAR DYSTROPHY 5. Identifiers: Orphanet 261, MedGen C2751805, MONDO:0013072, OMIM 612999.

Submission:

Labcorp Genetics (formerly Invitae), Labcorp
Classification: Uncertain significance for Emery-Dreifuss muscular dystrophy 5, autosomal dominant. Last evaluated: 2022-08-09. Review status: criteria provided, single submitter. Criteria: Invitae Variant Classification Sherloc (09022015). Collection method: clinical testing. Allele origin: germline.
Comment: This variant is not present in population databases (gnomAD no frequency). This sequence change creates a premature translational stop signal (p.Tyr3048*) in the SYNE2 gene. It is expected to result in an absent or disrupted protein product. However, the current clinical and genetic evidence is not sufficient to establish whether loss-of-function variants in SYNE2 cause disease. This variant has not been reported in the literature in individuals affected with SYNE2-related conditions. In summary, the available evidence is currently insufficient to determine the role of this variant in disease. Therefore, it has been classified as a Variant of Uncertain Significance. ClinVar contains an entry for this variant (Variation ID: 1378557).